The following is an entry in ClinVar:

ClinVar aggregate classification (germline): Likely benign. Review status: criteria provided, multiple submitters, no conflicts (2 of 4 stars). 4 submissions from 4 submitters: Likely benign (4). Last evaluated 2025-12-15.

Submissions (4):

Labcorp Genetics (formerly Invitae), Labcorp
Classification: Likely benign. Last evaluated: 2025-12-15. Review status: criteria provided, single submitter. Criteria: Invitae Variant Classification Sherloc (09022015). Collection method: clinical testing. Allele origin: germline.

Blueprint Genetics
Classification: Likely benign. Last evaluated: 2024-05-03. Review status: criteria provided, single submitter. Criteria: ACMG Guidelines, 2015. Collection method: clinical testing. Allele origin: germline.

ARUP Laboratories, Molecular Genetics and Genomics, ARUP Laboratories
Classification: Likely benign. Last evaluated: 2020-04-24. Review status: criteria provided, single submitter. Criteria: ARUP Molecular Germline Variant Investigation Process. Collection method: clinical testing. Allele origin: germline.

GeneDx
Classification: Likely benign. Last evaluated: 2017-04-20. Review status: criteria provided, single submitter. Criteria: GeneDx Variant Classification (06012015). Collection method: clinical testing. Allele origin: germline. Affected: yes.
Comment: This variant is considered likely benign or benign based on one or more of the following criteria: it is a conservative change, it occurs at a poorly conserved position in the protein, it is predicted to be benign by multiple in silico algorithms, and/or has population frequency not consistent with disease.

NM_001844.5(COL2A1):c.3597+17del

Gene: COL2A1 (collagen type II alpha 1 chain; minus strand). Cytogenetic location: 12q13.11.
Variant type: Deletion.
Coding change: c.3597+17del on transcript NM_001844.5 (MANE Select); 17 bases into the intron after coding-DNA position 3597, one base deleted (C; older notation c.3597+17delC).
Molecular consequence: intron variant.
Genome position (GRCh38, 1-based): chr12:47,975,946, G deleted on the plus strand (C on the coding strand, the reverse complement: COL2A1 is on the minus strand); the first of 2 consecutive G bases (chr12:47,975,946-47,975,947); deleting either gives the same sequence. VCF-style (leftmost placement, unchanged base first): chr12-47975945-AG-A. GRCh37 (hg19) VCF-style: chr12-48369728-AG-A.
Other names: c.3597+17delC (NM_001844.4); c.3390+17del (NM_033150.3).
Identifiers: ClinVar variation 508961 (VCV000508961.19), dbSNP rs758237369, ClinGen allele CA6534699.